The following is an entry in ClinVar:

ClinVar aggregate classification (germline): Likely benign. Review status: criteria provided, multiple submitters, no conflicts (2 of 4 stars). 3 submissions from 3 submitters: Likely benign (3). Last evaluated 2024-08-11.

Conditions:
Hereditary cancer-predisposing syndrome. Also called: Hereditary neoplastic syndrome; Neoplastic Syndromes, Hereditary; Tumor predisposition; Hereditary Cancer Syndrome. Identifiers: Orphanet 140162, MedGen C0027672, MeSH D009386, MONDO:0015356.
BRCA2-related cancer predisposition. Identifiers: MedGen CN377758, MONDO:0700269.
Hereditary breast ovarian cancer syndrome. Also called: Hereditary breast and ovarian cancer; Breast and ovarian cancer; Hereditary breast and ovarian cancer syndrome (HBOC); BRCA1- and BRCA2-Associated Hereditary Breast and Ovarian Cancer; Hereditary breast and/or ovarian cancer syndrome; Hereditary breast and ovarian cancer syndrome. Identifiers: Orphanet 145, MedGen C0677776, MeSH D061325, MONDO:0003582. Disease mechanism: loss of function.

Submissions (3):

Labcorp Genetics (formerly Invitae), Labcorp
Classification: Likely benign for Hereditary breast ovarian cancer syndrome. Last evaluated: 2024-08-11. Review status: criteria provided, single submitter. Criteria: Invitae Variant Classification Sherloc (09022015). Collection method: clinical testing. Allele origin: germline.

All of Us Research Program, National Institutes of Health
Classification: Likely benign for BRCA2-related cancer predisposition. Last evaluated: 2024-05-14. Review status: criteria provided, single submitter. Criteria: ACMG Guidelines, 2015. Collection method: clinical testing. Allele origin: germline. Inheritance: Autosomal dominant inheritance. Observed: 1 variant allele, 1 heterozygote.
Comment: This study involves interpretation of variants in research participants for the purpose of population health screening. Participant phenotype was not available at the time of variant classification. Additional details can be found in publication PMID: 35346344, PMCID: PMC8962531

Color Diagnostics, LLC DBA Color Health
Classification: Likely benign for Hereditary cancer-predisposing syndrome. Last evaluated: 2022-09-27. Review status: criteria provided, single submitter. Criteria: ACMG Guidelines, 2015. Collection method: clinical testing. Allele origin: germline.

NM_000059.4(BRCA2):c.7805+8_7805+9del

Gene: BRCA2 (BRCA2 DNA repair associated; plus strand). Cytogenetic location: 13q13.1.
Variant type: Deletion.
Coding change: c.7805+8_7805+9del on transcript NM_000059.4 (MANE Select); bases 8 to 9 of the intron after coding-DNA position 7805, 2 bases deleted (AT; older notation c.7805+8_7805+9delAT).
Molecular consequence: intron variant.
Genome position (GRCh38, 1-based): chr13:32,357,937-32,357,938, AT deleted; deleting any 2 consecutive bases within chr13:32,357,936-32,357,938 gives the same sequence; the c. name uses the placement nearest the transcript's 3' end. VCF-style (leftmost placement, unchanged base first): chr13-32357935-CTA-C. GRCh37 (hg19) VCF-style: chr13-32932072-CTA-C.
Identifiers: ClinVar variation 1122429 (VCV001122429.12), dbSNP rs2072712470, ClinGen allele CA954697467.